The following is an entry in ClinVar:

ClinVar aggregate classification (germline): Uncertain significance (1 of 4 stars; one submission).

Conditions:
Cardiovascular phenotype. Identifiers: MedGen CN230736.

Submission:

Ambry Genetics
Classification: Uncertain significance for Cardiovascular phenotype. Last evaluated: 2026-08-14. Review status: criteria provided, single submitter. Criteria: Ambry Variant Classification Scheme 2023. Collection method: clinical testing. Allele origin: germline.
Comment: The c.2685_2693+30dup39 variant results from a duplication of 39 nucleotides between positions c.2685 and c.2693+30 and involves the canonical splice donor site after coding exon 24 of the ANK2 gene. In silico splice site analysis predicts that this alteration will not have any significant effect on splicing. The exact impact of this duplication on splicing and function is currently unknown. The canonical splice donor site is highly conserved in available vertebrate species. Based on the available evidence, the clinical significance of this variant remains unclear.

NM_001148.6(ANK2):c.2685_2693+30dup

Gene: ANK2 (ankyrin 2; plus strand). Cytogenetic location: 4q26.
Variant type: Duplication.
Coding change: c.2685_2693+30dup on transcript NM_001148.6 (MANE Select); coding-DNA position 2685 through 30 bases into the intron after coding-DNA position 2693, 39 bases duplicated.
Molecular consequence: splice donor variant.
Genome position (GRCh38, 1-based): chr4:113,311,391-113,311,429, 39 bases duplicated; duplicating any 39 consecutive bases within chr4:113,311,390-113,311,429 gives the same sequence; the c. name uses the placement nearest the transcript's 3' end. GRCh37 (hg19): chr4:114,232,547-114,232,585.
Other names: c.2673_2681+30dup (NM_001386186.2, NM_001386148.2); c.2475_2483+30dup (NM_001354269.3); c.2649_2657+30dup (NM_001386187.2); c.2643_2651+30dup (NM_001386147.1, NM_001386160.1, NM_001354261.2); c.2622_2630+30dup (NM_001354254.2, NM_001354239.2, NM_001354252.2 and 10 more transcripts); c.2523_2531+30dup (NM_001354253.2, NM_001354270.2, NM_001354257.2 and 1 more transcripts); c.2598_2606+30dup (NM_001354249.2, NM_001354266.2, NM_001354276.2 and 10 more transcripts); c.2499_2507+30dup (NM_001386151.1, NM_001354260.2, NM_001354271.2); and 9 more.
Identifiers: ClinVar variation 1794709 (VCV001794709.4), dbSNP rs2079865115, ClinGen allele CA1066869453.